The following is an entry in ClinVar:

NM_000094.4(COL7A1):c.7730del (p.Pro2577fs)

Gene: COL7A1 (collagen type VII alpha 1 chain; minus strand). Cytogenetic location: 3p21.31.
Variant type: Deletion.
Coding change: c.7730del on transcript NM_000094.4 (MANE Select); coding-DNA position 7730, one base deleted (C; older notation c.7730delC).
Protein change: p.Pro2577fs; shifts the reading frame from proline 2577.
Molecular consequence: frameshift variant.
Genome position (GRCh38, 1-based): chr3:48,568,812, G deleted on the plus strand (C on the coding strand, the reverse complement: COL7A1 is on the minus strand); the first of 2 consecutive G bases (chr3:48,568,812-48,568,813); deleting either gives the same sequence. VCF-style (leftmost placement, unchanged base first): chr3-48568811-TG-T. GRCh37 (hg19) VCF-style: chr3-48606244-TG-T.
Other names: c.7729delC, p.Pro2577Glnfs (NM_000094.3); short protein forms P2577fs.
Identifiers: ClinVar variation 4817402 (VCV004817402.1).

ClinVar aggregate classification (germline): Likely pathogenic (1 of 4 stars; one submission).

Conditions:
Epidermolysis bullosa dystrophica. Also called: Dystrophic epidermolysis bullosa, Hallopeau-Siemens type (formerly); Dystrophic epidermolysis bullosa. Identifiers: Orphanet 303, MedGen C0079294, MONDO:0006543.

Submission:

Natera, Inc.
Classification: Likely pathogenic for Dystrophic epidermolysis bullosa. Last evaluated: 2024-07-15. Review status: criteria provided, single submitter. Criteria: Natera Variant Classification Schema (03/2026). Collection method: clinical testing. Allele origin: germline.
Comment: The c.7730del variant in COL7A1 is a frameshift variant predicted to shift the reading frame beginning at codon 2577 and leads to a stop codon 54 codons downstream. This variant is expected to result in nonsense mediated decay, truncation, or a dysfunctional protein product. This variant is rare in the general population with a frequency below the threshold expected for the associated phenotype(s). Given the available evidence, this variant is classified as Likely Pathogenic.